The following is an entry in ClinVar:

ClinVar aggregate classification (germline): Uncertain significance (1 of 4 stars; one submission).

Submission:

Women's Health and Genetics/Laboratory Corporation of America, LabCorp
Classification: Uncertain significance. Last evaluated: 2022-04-14. Review status: criteria provided, single submitter. Criteria: LabCorp Variant Classification Summary - May 2015. Collection method: clinical testing. Allele origin: germline.
Comment: Variant summary: KAT6A c.795C>G (p.Cys265Trp) results in a non-conservative amino acid change located in the Zinc finger, PHD-type domain of the encoded protein sequence. Five of five in-silico tools predict a damaging effect of the variant on protein function. The variant was absent in 251202 control chromosomes. The available data on variant occurrences in the general population are insufficient to allow any conclusion about variant significance. To our knowledge, no occurrence of c.795C>G in individuals affected with Arboleda-Tham Syndrome and no experimental evidence demonstrating its impact on protein function have been reported. No clinical diagnostic laboratories have submitted clinical-significance assessments for this variant to ClinVar after 2014. Based on the evidence outlined above, the variant was classified as uncertain significance.

NM_006766.5(KAT6A):c.795C>G (p.Cys265Trp)

Gene: KAT6A (lysine acetyltransferase 6A; minus strand). Cytogenetic location: 8p11.21.
Variant type: single nucleotide variant.
Coding change: c.795C>G on transcript NM_006766.5 (MANE Select); coding-DNA position 795, C replaced by G.
Protein change: p.Cys265Trp; replaces cysteine 265 with tryptophan.
Molecular consequence: missense variant.
Genome position (GRCh38, 1-based): chr8:41,981,869, G>C on the plus strand (C>G on the coding strand, the complement: KAT6A is on the minus strand). VCF-style: chr8-41981869-G-C. GRCh37 (hg19) VCF-style: chr8-41839387-G-C.
Other names: c.795C>G, p.Cys265Trp (NM_001305878.2); short protein forms C265W.
Identifiers: ClinVar variation 1683323 (VCV001683323.1), dbSNP rs1194154094, ClinGen allele CA371173862.